The following is an entry in ClinVar:

ClinVar aggregate classification (germline): Uncertain significance (1 of 4 stars; one submission).

Allele frequency attached by ClinVar (database versions not stated): gnomAD 0.00004; ESP Exome Variant Server 0.00008; TOPMed 0.00009; gnomAD exomes 0.00011; ExAC 0.00015.
gnomAD v4.1: 160 of 1,614,036 alleles (0.0099%); highest among the groups gnomAD compares: Middle Eastern, 0.049%; no homozygotes.

Submission:

Labcorp Genetics (formerly Invitae), Labcorp
Classification: Uncertain significance. Last evaluated: 2022-06-01. Review status: criteria provided, single submitter. Criteria: Invitae Variant Classification Sherloc (09022015). Collection method: clinical testing. Allele origin: germline.
Comment: In summary, the available evidence is currently insufficient to determine the role of this variant in disease. Therefore, it has been classified as a Variant of Uncertain Significance. Algorithms developed to predict the effect of missense changes on protein structure and function are either unavailable or do not agree on the potential impact of this missense change (SIFT: "Deleterious"; PolyPhen-2: "Benign"; Align-GVGD: "Class C0"). This variant has not been reported in the literature in individuals affected with KRT71-related conditions. This variant is present in population databases (rs369905148, gnomAD 0.02%). This sequence change replaces arginine, which is basic and polar, with tryptophan, which is neutral and slightly polar, at codon 46 of the KRT71 protein (p.Arg46Trp).

NM_033448.3(KRT71):c.136C>T (p.Arg46Trp)

Gene: KRT71 (keratin 71; minus strand). Cytogenetic location: 12q13.13.
Variant type: single nucleotide variant.
Coding change: c.136C>T on transcript NM_033448.3 (MANE Select); coding-DNA position 136, C replaced by T.
Protein change: p.Arg46Trp; replaces arginine 46 with tryptophan.
Molecular consequence: missense variant.
Genome position (GRCh38, 1-based): chr12:52,552,942, G>A on the plus strand (C>T on the coding strand, the complement: KRT71 is on the minus strand). VCF-style: chr12-52552942-G-A. GRCh37 (hg19) VCF-style: chr12-52946726-G-A.
Other names: short protein forms R46W.
Identifiers: ClinVar variation 2191685 (VCV002191685.4), dbSNP rs369905148, ClinGen allele CA6583538.